The following is an entry in ClinVar:

NM_001349884.2(DRAM2):c.284G>T (p.Gly95Val)

Gene: DRAM2 (DNA damage regulated autophagy modulator 2; minus strand). Cytogenetic location: 1p13.3.
Variant type: single nucleotide variant.
Coding change: c.284G>T on transcript NM_001349884.2 (MANE Select); coding-DNA position 284, G replaced by T.
Protein change: p.Gly95Val; replaces glycine 95 with valine.
Molecular consequence: missense variant. On other transcripts: 5 prime UTR variant (1), non-coding transcript variant (3), intron variant (7).
Genome position (GRCh38, 1-based): chr1:111,124,797, C>A on the plus strand (G>T on the coding strand, the complement: DRAM2 is on the minus strand). VCF-style: chr1-111124797-C-A. GRCh37 (hg19) VCF-style: chr1-111667419-C-A.
Other names: c.284G>T, p.Gly95Val (NM_001349881.2, NM_001349882.2, NM_001349885.2 and 1 more transcripts); c.-135G>T (NM_001349891.2); c.-52+1430G>T (NM_001349889.2, NM_001349890.2, NM_001349892.2 and 1 more transcripts); c.41+1430G>T (NM_001349887.2, NM_001349886.2, NM_001349888.2); short protein forms G95V.
Identifiers: ClinVar variation 1017994 (VCV001017994.7), dbSNP rs768041053, ClinGen allele CA1001880.

ClinVar aggregate classification (germline): Conflicting classifications of pathogenicity. Review status: criteria provided, conflicting classifications (1 of 4 stars). 2 submissions from 2 submitters: Pathogenic (1); Uncertain significance (1). Last evaluated 2023-03-14.

Conditions:
DRAM2-related disorder. Also called: DRAM2-related condition.

Allele frequency attached by ClinVar (database versions not stated): gnomAD exomes 0.00001 and 0.00003; ExAC 0.00004.

Submissions (2):

Blueprint Genetics
Classification: Pathogenic for DRAM2-related disorders. Last evaluated: 2023-03-14. Review status: criteria provided, single submitter. Criteria: ACMG Guidelines, 2015. Collection method: clinical testing. Allele origin: germline. Affected: yes. Observed: 5 variant alleles.

Labcorp Genetics (formerly Invitae), Labcorp
Classification: Uncertain significance. Last evaluated: 2022-07-18. Review status: criteria provided, single submitter. Criteria: Invitae Variant Classification Sherloc (09022015). Collection method: clinical testing. Allele origin: germline.
Comment: In summary, the available evidence is currently insufficient to determine the role of this variant in disease. Therefore, it has been classified as a Variant of Uncertain Significance. Algorithms developed to predict the effect of missense changes on protein structure and function are either unavailable or do not agree on the potential impact of this missense change (SIFT: "Tolerated"; PolyPhen-2: "Possibly Damaging"; Align-GVGD: "Class C0"). ClinVar contains an entry for this variant (Variation ID: 1017994). This missense change has been observed in individual(s) with macular or cone/cone-rod dystrophy (PMID: 29555955). This variant is present in population databases (rs768041053, gnomAD 0.006%). This sequence change replaces glycine, which is neutral and non-polar, with valine, which is neutral and non-polar, at codon 95 of the DRAM2 protein (p.Gly95Val).

Literature cited by the submitters: PubMed 29555955 (cited by Labcorp Genetics (formerly Invitae), Labcorp).